The following continues an entry in ClinVar:

NM_000053.4(ATP7B):c.2975C>T (p.Pro992Leu)

Gene: ATP7B. ClinVar aggregate classification (germline): Pathogenic/Likely pathogenic. Pathogenic (17); Likely pathogenic (1).

Submissions 10 to 20 of 20:

ARUP Laboratories, Molecular Genetics and Genomics, ARUP Laboratories
Classification: Pathogenic for Wilson disease. Last evaluated: 2023-06-27. Review status: criteria provided, single submitter. Criteria: ARUP Molecular Germline Variant Investigation Process 2024. Collection method: clinical testing. Allele origin: germline.
Comment: The ATP7B c.2975C>T; p.Pro992Leu variant (rs201038679), is reported in the literature in the homozygous or compound heterozygous state in multiple individuals affected with Wilson disease (Gu 2013, Nanji 1997, Seidel 2001, Wu 2006, Yu 2017). This variant is also reported in ClinVar (Variation ID: 188831). It is found in the East Asian population with an allele frequency of 0.046% (9/19520 alleles) in the Genome Aggregation Database. Computational analyses predict that this variant is deleterious (REVEL: 0.905). Consistent with these predictions, in vitro functional analyses demonstrate impaired protein trafficking and decreased copper transport activity (Huster 2012, Zhu 2015). Based on available information, the p.Pro992Leu variant is considered to be pathogenic. References: Gu S et al. Novel ATPase Cu(2+) transporting beta polypeptide mutations in Chinese families with Wilson's disease. PLoS One. 2013 Jul 2;8(7):e66526. PMID: 23843956. Huster D et al. Diverse functional properties of Wilson disease ATP7B variants. Gastroenterology. 2012 Apr;142(4):947-956.e5. PMID: 22240481. Nanji MS et al. Haplotype and mutation analysis in Japanese patients with Wilson disease. Am J Hum Genet. 1997 Jun;60(6):1423-9. PMID: 9199563. Seidel J et al. Disturbed copper transport in humans. Part 2: mutations of the ATP7B gene lead to Wilson disease (WD). Cell Mol Biol (Noisy-le-grand). 2001;47 Online Pub:OL149-57. PMID: 11936861. Wu ZY et al. Mutation analysis of 218 Chinese patients with Wilson disease revealed no correlation between the canine copper toxicosis gene MURR1 and Wilson disease. J Mol Med (Berl). 2006 May;84(5):438-42. PMID: 16649058. Yu H et al. Clinical features and outcome in patients with osseomuscular type of Wilson's disease. BMC Neurol. 2017 Feb 17;17(1):34. PMID: 28212618. Zhu M et al. Defective roles of ATP7B missense mutations in cellular copper tolerance and copper excretion. Mol Cell Neurosci. 2015 Jul;67:31-6. PMID: 26032686.

Blueprint Genetics
Classification: Pathogenic for ATP7B-related disorders. Last evaluated: 2023-02-17. Review status: criteria provided, single submitter. Criteria: ACMG Guidelines, 2015. Collection method: clinical testing. Allele origin: germline. Affected: yes. Observed: 3 variant alleles.

Mayo Clinic Laboratories, Mayo Clinic
Classification: Pathogenic. Last evaluated: 2022-12-29. Review status: criteria provided, single submitter. Criteria: ACMG Guidelines, 2015. Collection method: clinical testing. Allele origin: germline. Observed: 3 variant alleles.
Comment: PP3, PM2_moderate, PS4

Fulgent Genetics
Classification: Pathogenic for Wilson disease. Last evaluated: 2021-12-23. Review status: criteria provided, single submitter. Criteria: ACMG Guidelines, 2015. Collection method: clinical testing. Allele origin: unknown.

Genome-Nilou Lab
Classification: Pathogenic for Wilson disease. Last evaluated: 2021-08-10. Review status: criteria provided, single submitter. Criteria: ACMG Guidelines, 2015. Collection method: clinical testing. Allele origin: germline. Affected: no.

Beijing Key Laboratry for Genetics of Birth Defects, Beijing Children's Hospital
Classification: Likely pathogenic for Wilson disease. Last evaluated: 2020-02-28. Review status: criteria provided, single submitter. Criteria: ACMG Guidelines, 2015. Collection method: clinical testing. Allele origin: germline. Affected: yes. Observed: 1 variant allele.

Women's Health and Genetics/Laboratory Corporation of America, LabCorp
Classification: Pathogenic for Wilson disease. Last evaluated: 2018-11-12. Review status: criteria provided, single submitter. Criteria: LabCorp Variant Classification Summary - May 2015. Collection method: clinical testing. Allele origin: germline.
Comment: Variant summary: ATP7B c.2975C>T (p.Pro992Leu) results in a non-conservative amino acid change in the predicted cation chanel TM6 domain of the encoded protein sequence. Another variant in the same codon c.2975C>A (p.P992H) has been reported to be associated with Wilson Disease (HGMD; Kumar et al., Clin Genet, 2005; Schushan et al. Metallomics, 2012). Five of five in-silico tools predict a damaging effect of the variant on protein function. This mutation is predicted to disrupt the function of the cation channel and/or the formation of the transmembrane domain. The variant allele was found at a frequency of 3.6e-05 in 276312 control chromosomes (gnomAD). This frequency is not significantly higher than expected for a pathogenic variant in ATP7B causing Wilson Disease (3.6e-05 vs 0.0054), allowing no conclusion about variant significance. c.2975C>T has been reported in the literature in multiple individuals affected with Wilson Disease (Dong_2016) with homozygous or compound heterozygous genotypes. These data indicate that the variant is very likely to be associated with disease. To our knowledge, no experimental evidence demonstrating an impact on protein function has been reported. A ClinVar submission from a clinical diagnostic laboratory (evaluation after 2014) cites the variant as pathogenic. Based on the evidence outlined above, the variant was classified as pathogenic.

Ambry Genetics
Classification: Pathogenic for Inborn genetic diseases. Last evaluated: 2017-09-19. Review status: criteria provided, single submitter. Criteria: Ambry Variant Classification Scheme 2023. Collection method: clinical testing. Allele origin: germline.
Comment: The p.P992L pathogenic mutation (also known as c.2975C>T), located in coding exon 13 of the ATP7B gene, results from a C to T substitution at nucleotide position 2975. The proline at codon 992 is replaced by leucine, an amino acid with similar properties. This mutation has been identified in multiple individuals with Wilson disease in the compound heterozygous or homozygous state (Nanji MS et al. Am. J. Hum. Genet., 1997 Jun;60:1423-9; Loudianos G et al. Hum. Mutat., 1998;12:89-94; Wu ZY et al. J. Mol. Med., 2006 May;84:438-42; Mak CM et al. J. Hum. Genet., 2008 Nov;53:55-63; Li K et al. J. Hum. Genet., 2013 Feb;58:67-72; Gu S et al. PLoS ONE, 2013 Jul;8:e66526). In addition, expression of this mutation in Sf9 cells showed partial copper uptake with normal phosphorylation activity (Huster D et al. Gastroenterology, 2012 Apr;142:947-956.e5). Based on the supporting evidence, this alteration is interpreted as a disease-causing mutation.

Juno Genomics, Hangzhou Juno Genomics, Inc
Classification: Pathogenic for Wilson disease. Review status: criteria provided, single submitter. Criteria: ACMG Guidelines, 2015. Collection method: clinical testing. Allele origin: germline.
Comment: Absent from controls (or at extremely low frequency if recessive) in Genome Aggregation Database.;For recessive disorders, detected in trans with a pathogenic variant.;Patient's phenotype or family history is highly specific for a disease with a single genetic etiology.;Well-established in vitro or in vivo functional studies supportive of a damaging effect on the gene or gene product.

Counsyl
Classification: Pathogenic for Wilson's disease. Last evaluated: 2014-06-14. Review status: no assertion criteria provided. Collection method: literature only. Allele origin: unknown. Inheritance: Autosomal recessive inheritance. Not counted in ClinVar's aggregate classification.

Chongqing Key Laboratory of Child Rare Diseases in Infection and Immunity, Children’s Hospital of Chongqing Medical University
Classification: Uncertain significance for Wilson disease. Last evaluated: 2024-01-01. Review status: flagged submission. Criteria: ACMG Guidelines, 2015. Collection method: clinical testing. Allele origin: germline. Inheritance: Autosomal recessive inheritance. Affected: yes. Not counted in ClinVar's aggregate classification.
Comment: Classified as Uncertain significance according to the ACMG/AMP 2015 guidelines (PMID:25741868). The classification was based on the available submitted evidence for Wilson disease (OMIM:277900), including clinical-testing observations, variant consequence/protein annotation, and published or ClinVar evidence where available. Supporting information considered: variant annotation: p.Pro992Leu; Missense; Protein domain: P-domain-enriched; submitted notation: NM_000053.4:c.2975C>T (p.Pro992Leu); source variant type: Missense; source domain: P-domain-enriched; allele count n=230: 32.
ClinVar note: Reason: Outlier claim with insufficient supporting evidence

Literature cited by the submitters: PubMed 23843956 (cited by 6 submitters); PubMed 9837819 (cited by 5 submitters); PubMed 35220961 (cited by Natera, Inc.); PubMed 9199563 (cited by 5 submitters); PubMed 9671269 (cited by 4 submitters); PubMed 9829905 (cited by 4 submitters); PubMed 11690702 (cited by 4 submitters); PubMed 16649058 (cited by 4 submitters); PubMed 16696937 (cited by 4 submitters); PubMed 18034201 (cited by 4 submitters); PubMed 22240481 (cited by 4 submitters); PubMed 23235335 (cited by 4 submitters); PubMed 26032686 (cited by Color Diagnostics, LLC DBA Color Health and All of Us Research Program, National Institutes of Health); PubMed 27022412 (cited by 3 submitters); PubMed 27398169 (cited by Color Diagnostics, LLC DBA Color Health and All of Us Research Program, National Institutes of Health); PubMed 27638368 (cited by Color Diagnostics, LLC DBA Color Health and All of Us Research Program, National Institutes of Health); PubMed 15811015 (cited by 3billion); PubMed 17717039 (cited by Ambry Genetics and Counsyl).